The following is an entry in ClinVar:

NM_017755.6(NSUN2):c.340G>A (p.Val114Ile)

Gene: NSUN2 (NOP2/Sun RNA methyltransferase 2; minus strand). Cytogenetic location: 5p15.31.
Variant type: single nucleotide variant.
Coding change: c.340G>A on transcript NM_017755.6 (MANE Select); coding-DNA position 340, G replaced by A.
Protein change: p.Val114Ile; replaces valine 114 with isoleucine.
Molecular consequence: missense variant. On other transcripts: non-coding transcript variant (1), intron variant (1).
Genome position (GRCh38, 1-based): chr5:6,631,892, C>T on the plus strand (G>A on the coding strand, the complement: NSUN2 is on the minus strand). VCF-style: chr5-6631892-C-T. GRCh37 (hg19) VCF-style: chr5-6632005-C-T.
Other names: c.254+707G>A (NM_001193455.2); short protein forms V114I.
Identifiers: ClinVar variation 1299234 (VCV001299234.1), dbSNP rs2126513553, ClinGen allele CA359129414.

ClinVar aggregate classification (germline): Uncertain significance (1 of 4 stars; one submission).

Conditions:
Intellectual developmental disorder, autosomal recessive 5. Also called: Intellectual disability, autosomal recessive 5. Identifiers: Orphanet 88616, MedGen C1970199, MONDO:0012613, OMIM 611091.

Submission:

Breda Genetics srl
Classification: Uncertain significance for Intellectual developmental disorder, autosomal recessive 5. Last evaluated: 2021-01-12. Review status: criteria provided, single submitter. Criteria: ACMG Guidelines, 2015. Collection method: clinical testing. Allele origin: germline. Inheritance: Autosomal recessive inheritance. Affected: yes. Observed: 1 variant allele, 1 heterozygote.
Comment: Based on allele frequency, in-silico prediction scores and a certain overlap with the clinical phenotype, we interpreted this variant at least as of uncertain significance. The lack of one or more of the following features has discouraged further investigations: lack of a possible second hit in autosomal recessive conditions, presence of healthy controls in databases for autosomal dominant conditions, presence of unmatching cardinal clinical features in the patient or in the known gene-disease association, and/or variant type outside the known gene mutational spectrum.